The following is an entry in ClinVar:

NM_001378477.3(NYX):c.807_819dup (p.Glu274delinsArgTer)

Gene: NYX (nyctalopin; plus strand). Cytogenetic location: Xp11.4.
Variant type: Duplication.
Coding change: c.807_819dup on transcript NM_001378477.3 (MANE Select); coding-DNA positions 807 to 819, 13 bases duplicated (CGCTGACCTGGCC).
Protein change: p.Glu274delinsArgTer.
Molecular consequence: nonsense.
Genome position (GRCh38, 1-based): chrX:41,474,275-41,474,287, CGCTGACCTGGCC duplicated. VCF-style (leftmost placement, unchanged base first): chrX-41474274-T-TCGCTGACCTGGCC. GRCh37 (hg19) VCF-style: chrX-41333527-T-TCGCTGACCTGGCC.
Other names: c.807_819dup, p.Glu274delinsArgTer (NM_022567.3).
Identifiers: ClinVar variation 2750697 (VCV002750697.3), dbSNP rs2519608179, ClinGen allele CA2697553067.
Genomic context (GRCh38, chrX:41,474,274, plus strand): 5'-GGCGCCTGCGCACGCTCAACCTGGGTGGCAACGCGCTGGACCGCGTGGCGCGCGCCTGGT[T>TCGCTGACCTGGCC]CGCTGACCTGGCCGAGCTCGAGCTGCTCTACCTGGACCGCAACAGCATCGCCTTCGTGGA-3'

ClinVar aggregate classification (germline): Pathogenic (1 of 4 stars; one submission).

Submission:

Labcorp Genetics (formerly Invitae), Labcorp
Classification: Pathogenic. Last evaluated: 2023-08-06. Review status: criteria provided, single submitter. Criteria: Invitae Variant Classification Sherloc (09022015). Collection method: clinical testing. Allele origin: germline.
Comment: This variant disrupts a region of the NYX protein in which other variant(s) (p.Cys362*) have been determined to be pathogenic (Invitae). This suggests that this is a clinically significant region of the protein, and that variants that disrupt it are likely to be disease-causing. For these reasons, this variant has been classified as Pathogenic. This variant has not been reported in the literature in individuals affected with NYX-related conditions. This sequence change creates a premature translational stop signal (p.Glu279Argfs*2) in the NYX gene. While this is not anticipated to result in nonsense mediated decay, it is expected to disrupt the last 203 amino acid(s) of the NYX protein. This variant is not present in population databases (gnomAD no frequency).